The following is an entry in ClinVar:

ClinVar aggregate classification (germline): Uncertain significance (0 of 4 stars; one submission).

Conditions:
Atrial septal defect 4 (ASD4). Identifiers: Orphanet 1478, MedGen C1969657, MONDO:0012654, OMIM 611363.

gnomAD v4.1: 16 of 779,694 alleles (0.0021%); highest among the groups gnomAD compares: Admixed American, 0.004%; no homozygotes.

Submission:

Laboratory of Genomics, Instituto Nacional de Cardiología Ignacio Chávez
Classification: Uncertain significance for Atrial septal defect 4. Review status: no assertion criteria provided. Collection method: not provided. Allele origin: unknown.
ClinVar note: Converted during submission from unknown to Uncertain significance.

NM_001077653.2(TBX20):c.1003+99C>T

Gene: TBX20 (T-box transcription factor 20; minus strand). Cytogenetic location: 7p14.2.
Variant type: single nucleotide variant.
Coding change: c.1003+99C>T on transcript NM_001077653.2 (MANE Select); 99 bases into the intron after coding-DNA position 1003, C replaced by T.
Genome position (GRCh38, 1-based): chr7:35,204,371, G>A on the plus strand (C>T on the coding strand, the complement: TBX20 is on the minus strand). VCF-style: chr7-35204371-G-A. GRCh37 (hg19) VCF-style: chr7-35243983-G-A.
Other names: c.1003+99C>T (LRG_755t1).
Identifiers: ClinVar variation 132823 (VCV000132823.2), dbSNP rs483353007, ClinGen allele CA156234.